The following is an entry in ClinVar:

NC_000011.9:g.(?_46880514)_(47470726_?)del

Genes: ARFGAP2 (ARF GTPase activating protein 2; minus strand), CSTPP1 (centriolar satellite-associated tubulin polyglutamylase complex regulator 1; plus strand), SPI1 (Spi-1 proto-oncogene; minus strand), SLC39A13 (solute carrier family 39 member 13; plus strand), NR1H3 (nuclear receptor subfamily 1 group H member 3; plus strand) and 9 more. Cytogenetic location: 11p11.2.
Variant type: Deletion.
Identifiers: ClinVar variation 525135 (VCV000525135.1).

ClinVar aggregate classification (germline): Pathogenic (1 of 4 stars; one submission).

Conditions:
Hypertrophic cardiomyopathy. Also called: HYPERTROPHIC MYOCARDIOPATHY. Identifiers: Orphanet 217569, MedGen C0007194, MeSH D002312, MONDO:0005045, HP:0001639.

Submission:

Labcorp Genetics (formerly Invitae), Labcorp
Classification: Pathogenic for Hypertrophic cardiomyopathy. Last evaluated: 2017-10-04. Review status: criteria provided, single submitter. Criteria: Invitae Variant Classification Sherloc (09022015). Collection method: clinical testing. Allele origin: germline.
Comment: A gross deletion of the genomic region encompassing the full coding sequence of the MYBPC3 gene has been identified. The boundaries of this event are unknown as the deletion extends beyond the assayed region for this gene and therefore may encompass additional genes. This variant has not been reported in the literature in individuals with MYBPC3-related disease. Loss-of-function variants in MYBPC3 are known to be pathogenic (PMID: 19574547). For these reasons, this variant has been classified as Pathogenic.